The following is an entry in ClinVar:

ClinVar aggregate classification (germline): Likely benign. Review status: criteria provided, multiple submitters, no conflicts (2 of 4 stars). 4 submissions from 4 submitters: Likely benign (3). 1 of the submissions does not count toward it. Last evaluated 2026-01-19.

Conditions:
PPP1CB-related disorder. Also called: PPP1CB-related condition.
Cardiovascular phenotype. Identifiers: MedGen CN230736.

Allele frequency attached by ClinVar (database versions not stated): gnomAD 0.00003; gnomAD exomes 0.00003 and 0.00012; ExAC 0.00007; TOPMed 0.00007.
gnomAD v4.1: 51 of 1,599,538 alleles (0.0032%); highest among the groups gnomAD compares: Admixed American, 0.04%; no homozygotes.

Submissions (4):

Labcorp Genetics (formerly Invitae), Labcorp
Classification: Likely benign. Last evaluated: 2026-01-19. Review status: criteria provided, single submitter. Criteria: Invitae Variant Classification Sherloc (09022015). Collection method: clinical testing. Allele origin: germline.

Blueprint Genetics
Classification: Likely benign. Last evaluated: 2024-11-20. Review status: criteria provided, single submitter. Criteria: ACMG Guidelines, 2015. Collection method: clinical testing. Allele origin: germline.

Ambry Genetics
Classification: Likely benign for Cardiovascular phenotype. Last evaluated: 2022-12-14. Review status: criteria provided, single submitter. Criteria: Ambry Variant Classification Scheme 2023. Collection method: clinical testing. Allele origin: germline.

PreventionGenetics, part of Exact Sciences
Classification: Likely benign for PPP1CB-related condition. Last evaluated: 2020-11-02. Review status: no assertion criteria provided. Collection method: clinical testing. Allele origin: germline. Not counted in ClinVar's aggregate classification.
Comment: This variant is classified as likely benign based on ACMG/AMP sequence variant interpretation guidelines (Richards et al. 2015 PMID: 25741868, with internal and published modifications).

NM_002709.3(PPP1CB):c.972G>A (p.Pro324=)

Gene: PPP1CB (protein phosphatase 1 catalytic subunit beta; plus strand). Cytogenetic location: 2p23.2.
Variant type: single nucleotide variant.
Coding change: c.972G>A on transcript NM_002709.3 (MANE Select); coding-DNA position 972, G replaced by A.
Protein change: p.Pro324=; no amino-acid change (proline 324 retained).
Molecular consequence: synonymous variant.
Genome position (GRCh38, 1-based): chr2:28,799,291, G>A. VCF-style: chr2-28799291-G-A. GRCh37 (hg19) VCF-style: chr2-29022157-G-A.
Other names: c.972G>A, p.Pro324= (NM_206876.2).
Identifiers: ClinVar variation 736677 (VCV000736677.13), dbSNP rs771187371, ClinGen allele CA1589351.